The following is an entry in ClinVar:

ClinVar aggregate classification (germline): Uncertain significance. Review status: criteria provided, multiple submitters, no conflicts (2 of 4 stars). 2 submissions from 2 submitters: Uncertain significance (2). Last evaluated 2025-06-07.

Conditions:
Dyskeratosis congenita, autosomal dominant 6 (DKCA6). Identifiers: Orphanet 3322, MedGen C4225284, MONDO:0014690, OMIM 616553.
Inborn genetic diseases. Identifiers: MedGen C0950123, MeSH D030342.

Allele frequency attached by ClinVar (database versions not stated): gnomAD exomes 0.00001.
gnomAD v4.1: 8 of 1,613,346 alleles (0.0005%); highest among the groups gnomAD compares: Non-Finnish European, 0.00068%; no homozygotes.

Submissions (2):

Labcorp Genetics (formerly Invitae), Labcorp
Classification: Uncertain significance for Dyskeratosis congenita, autosomal dominant 6. Last evaluated: 2025-06-07. Review status: criteria provided, single submitter. Criteria: Invitae Variant Classification Sherloc (09022015). Collection method: clinical testing. Allele origin: germline.
Comment: This sequence change replaces tyrosine, which is neutral and polar, with phenylalanine, which is neutral and non-polar, at codon 203 of the ACD protein (p.Tyr203Phe). This variant is present in population databases (no rsID available, gnomAD 0.0009%). This variant has not been reported in the literature in individuals affected with ACD-related conditions. ClinVar contains an entry for this variant (Variation ID: 1751494). Invitae Evidence Modeling of protein sequence and biophysical properties (such as structural, functional, and spatial information, amino acid conservation, physicochemical variation, residue mobility, and thermodynamic stability) indicates that this missense variant is not expected to disrupt ACD protein function with a negative predictive value of 80%. In summary, the available evidence is currently insufficient to determine the role of this variant in disease. Therefore, it has been classified as a Variant of Uncertain Significance.

Ambry Genetics
Classification: Uncertain significance for Inborn genetic diseases. Last evaluated: 2024-04-19. Review status: criteria provided, single submitter. Criteria: Ambry Variant Classification Scheme 2023. Collection method: clinical testing. Allele origin: germline.
Comment: The p.Y203F variant (also known as c.608A>T), located in coding exon 4 of the ACD gene, results from an A to T substitution at nucleotide position 608. The tyrosine at codon 203 is replaced by phenylalanine, an amino acid with highly similar properties. This amino acid position is conserved. In addition, this alteration is predicted to be tolerated by in silico analysis. Since supporting evidence is limited at this time, the clinical significance of this alteration remains unclear.

NM_001082486.2(ACD):c.350A>T (p.Tyr117Phe)

Gene: ACD (ACD shelterin complex subunit and telomerase recruitment factor; minus strand). Cytogenetic location: 16q22.1.
Variant type: single nucleotide variant.
Coding change: c.350A>T on transcript NM_001082486.2 (MANE Select); coding-DNA position 350, A replaced by T.
Protein change: p.Tyr117Phe; replaces tyrosine 117 with phenylalanine.
Molecular consequence: missense variant.
Genome position (GRCh38, 1-based): chr16:67,659,600, T>A on the plus strand (A>T on the coding strand, the complement: ACD is on the minus strand). VCF-style: chr16-67659600-T-A. GRCh37 (hg19) VCF-style: chr16-67693503-T-A.
Other names: c.350A>T, p.Tyr117Phe (NM_001410884.1); c.341A>T, p.Tyr114Phe (NM_022914.3); short protein forms Y114F, Y117F.
Identifiers: ClinVar variation 1751494 (VCV001751494.6), dbSNP rs775602659, ClinGen allele CA396355511.